The following is an entry in ClinVar:

ClinVar aggregate classification (germline): Pathogenic. Review status: criteria provided, multiple submitters, no conflicts (2 of 4 stars). 4 submissions from 4 submitters: Pathogenic (3). 1 of the submissions does not count toward it. Last evaluated 2026-02-19.

Conditions:
3-methylcrotonyl-CoA carboxylase 2 deficiency. Also called: 3 alpha methylcrotonyl-CoA carboxylase 2 deficiency; 3 alpha methylcrotonylglycinuria 2; MCC 2 deficiency; Methylcrotonylglycinuria type 2; METHYLCROTONYLGLYCINURIA, TYPE II. Identifiers: Orphanet 6, MedGen C1859499, MONDO:0008862, OMIM 210210.

Allele frequency attached by ClinVar (database versions not stated): gnomAD exomes 0.00001 and 0.00002; TOPMed below 0.00001; ExAC 0.00002.
gnomAD v4.1: 16 of 1,613,810 alleles (0.00099%); highest among the groups gnomAD compares: Non-Finnish European, 0.0014%; no homozygotes.

Submissions (4):

GeneDx
Classification: Pathogenic. Last evaluated: 2026-02-19. Review status: criteria provided, single submitter. Criteria: GeneDx Variant Classification Process June 2021. Collection method: clinical testing. Allele origin: germline.
Comment: Canonical splice site variant predicted to result in a null allele in a gene for which loss of function is a known mechanism of disease; Not observed at significant frequency in large population cohorts (gnomAD); This variant is associated with the following publications: (PMID: 16010683, 31589614, 15877210)

Natera, Inc.
Classification: Pathogenic for 3-methylcrotonyl-CoA carboxylase 2 deficiency. Last evaluated: 2025-07-03. Review status: criteria provided, single submitter. Criteria: Natera Variant Classification Schema (03/2026). Collection method: clinical testing. Allele origin: germline.
Comment: The c.1574+1G>A variant in MCCC2 is a canonical splice donor site variant predicted to affect pre-mRNA splicing, which may result in an abnormal transcript and altered protein product. This variant is expected to result in nonsense mediated decay, truncation, or a dysfunctional protein product. This variant is rare in the general population with a frequency below the threshold expected for the associated phenotype(s). This variant has been observed in one or more individuals affected with the associated recessive disease, as either homozygous or compound heterozygous with a second variant (PMID: 15877210, 16010683). Functional studies show that this variant may disrupt protein function (PMID: 15877210). Given the available evidence, this variant is classified as Pathogenic.

Labcorp Genetics (formerly Invitae), Labcorp
Classification: Pathogenic for 3-methylcrotonyl-CoA carboxylase 2 deficiency. Last evaluated: 2023-10-08. Review status: criteria provided, single submitter. Criteria: Invitae Variant Classification Sherloc (09022015). Collection method: clinical testing. Allele origin: germline.
Comment: This sequence change affects a donor splice site in intron 16 of the MCCC2 gene. While this variant is not anticipated to result in nonsense mediated decay, it likely alters RNA splicing and results in a disrupted protein product. This variant is present in population databases (rs730880265, gnomAD 0.003%). Disruption of this splice site has been observed in individual(s) with 3-methylcrotonyl-CoA carboxylase deficiency (PMID: 16010683). ClinVar contains an entry for this variant (Variation ID: 1928). Variants that disrupt the consensus splice site are a relatively common cause of aberrant splicing (PMID: 17576681, 9536098). Algorithms developed to predict the effect of sequence changes on RNA splicing suggest that this variant may disrupt the consensus splice site. This variant disrupts a region of the MCCC2 protein in which other variant(s) (p.Gly559Asp) have been determined to be pathogenic (PMID: 27033733; Invitae). This suggests that this is a clinically significant region of the protein, and that variants that disrupt it are likely to be disease-causing. For these reasons, this variant has been classified as Pathogenic.

OMIM
Classification: Pathogenic for 3-METHYLCROTONYL-CoA CARBOXYLASE 2 DEFICIENCY. Last evaluated: 2005-01-01. Review status: no assertion criteria provided. Collection method: literature only. Allele origin: germline. Not counted in ClinVar's aggregate classification.

Literature cited by the submitters: PubMed 15877210 (cited by Natera, Inc. and OMIM); PubMed 16010683 (cited by Natera, Inc. and Labcorp Genetics (formerly Invitae), Labcorp); PubMed 17576681 (cited by Labcorp Genetics (formerly Invitae), Labcorp); PubMed 9536098 (cited by Labcorp Genetics (formerly Invitae), Labcorp); PubMed 27033733 (cited by Labcorp Genetics (formerly Invitae), Labcorp).

NM_022132.5(MCCC2):c.1574+1G>A

Gene: MCCC2 (methylcrotonyl-CoA carboxylase subunit 2; plus strand). Cytogenetic location: 5q13.2.
Variant type: single nucleotide variant.
Coding change: c.1574+1G>A on transcript NM_022132.5 (MANE Select); the canonical splice donor site of the intron after coding-DNA position 1574, G replaced by A.
Molecular consequence: splice donor variant.
Genome position (GRCh38, 1-based): chr5:71,652,755, G>A. VCF-style: chr5-71652755-G-A. GRCh37 (hg19) VCF-style: chr5-70948582-G-A.
Other names: IVS16DS, G-A, +1; c.1460+1G>A (NM_001363147.1).
Identifiers: ClinVar variation 1928 (VCV000001928.14), dbSNP rs730880265, ClinGen allele CA251974.